The following is an entry in ClinVar:

NM_020778.5(ALPK3):c.1145G>T (p.Gly382Val)

Gene: ALPK3 (alpha kinase 3; plus strand). Cytogenetic location: 15q25.3.
Variant type: single nucleotide variant.
Coding change: c.1145G>T on transcript NM_020778.5 (MANE Select); coding-DNA position 1145, G replaced by T.
Protein change: p.Gly382Val; replaces glycine 382 with valine.
Molecular consequence: missense variant.
Genome position (GRCh38, 1-based): chr15:84,840,424, G>T. VCF-style: chr15-84840424-G-T. GRCh37 (hg19) VCF-style: chr15-85383655-G-T.
Other names: short protein forms G382V.
Identifiers: ClinVar variation 1779407 (VCV001779407.2), dbSNP rs2505706097, ClinGen allele CA393374581.

ClinVar aggregate classification (germline): Uncertain significance (1 of 4 stars; one submission).

Conditions:
Cardiovascular phenotype. Identifiers: MedGen CN230736.

Submission:

Ambry Genetics
Classification: Uncertain significance for Cardiovascular phenotype. Last evaluated: 2021-06-15. Review status: criteria provided, single submitter. Criteria: Ambry Variant Classification Scheme 2023. Collection method: clinical testing. Allele origin: germline.
Comment: The p.G584V variant (also known as c.1751G>T), located in coding exon 5 of the ALPK3 gene, results from a G to T substitution at nucleotide position 1751. The glycine at codon 584 is replaced by valine, an amino acid with dissimilar properties. This amino acid position is not well conserved in available vertebrate species, and valine is the reference amino acid in other vertebrate species. In addition, this alteration is predicted to be tolerated by in silico analysis. Since supporting evidence is limited at this time, the clinical significance of this alteration remains unclear.